The following is an entry in ClinVar:

ClinVar aggregate classification (germline): Uncertain significance. Review status: criteria provided, multiple submitters, no conflicts (2 of 4 stars). 4 submissions from 4 submitters: Uncertain significance (4). Last evaluated 2025-12-17.

Conditions:
Familial adenomatous polyposis 1 (FAP1). Also called: FAMILIAL ADENOMATOUS POLYPOSIS 1, ATTENUATED; POLYPOSIS, ADENOMATOUS INTESTINAL. Identifiers: MedGen C2713442, MONDO:0021056, OMIM 175100. Disease mechanism: loss of function.
Desmoid disease, hereditary (DESMD). Also called: FIBROMATOSIS, FAMILIAL INFILTRATIVE. Identifiers: Orphanet 873, MedGen C1851124, OMIM 135290. Disease mechanism: loss of function.
Hepatocellular carcinoma (HCC). Also called: Primary carcinoma of liver; HEPATOMA; LIVER CELL CARCINOMA. Identifiers: Orphanet 88673, MedGen C2239176, MONDO:0007256, OMIM 114550, HP:0001402.
Gastric cancer. Also called: Malignant tumor of stomach; Stomach cancer. Identifiers: MedGen C0024623, MeSH D013274, MONDO:0001056, OMIM 613659, HP:0012126.
Gastric adenocarcinoma and proximal polyposis of the stomach (GAPPS). Also called: Gastric Adenocarcinoma and Proximal Polyposis of the Stomach (GAPPS); Polyposis, gastric, Dos Santos and de Magalhaes 1980; POLYPOSIS, GASTRIC. Identifiers: Orphanet 314022, MedGen C4749917, MONDO:0017790, OMIM 619182.
Colorectal cancer. Also called: Colorectal cancer, somatic; Malignant Colorectal Neoplasm. Identifiers: MedGen C0346629, MONDO:0005575, OMIM 114500.
Hereditary cancer-predisposing syndrome. Also called: Tumor predisposition; Hereditary Cancer Syndrome; Neoplastic Syndromes, Hereditary; Hereditary neoplastic syndrome. Identifiers: Orphanet 140162, MedGen C0027672, MeSH D009386, MONDO:0015356.

Submissions (4):

Labcorp Genetics (formerly Invitae), Labcorp
Classification: Uncertain significance for Familial adenomatous polyposis 1. Last evaluated: 2025-12-17. Review status: criteria provided, single submitter. Criteria: Invitae Variant Classification Sherloc (09022015). Collection method: clinical testing. Allele origin: germline.
Comment: This sequence change replaces isoleucine, which is neutral and non-polar, with threonine, which is neutral and polar, at codon 858 of the APC protein (p.Ile858Thr). This variant is not present in population databases (gnomAD no frequency). This variant has not been reported in the literature in individuals affected with APC-related conditions. ClinVar contains an entry for this variant (Variation ID: 1321122). Invitae Evidence Modeling of protein sequence and biophysical properties (such as structural, functional, and spatial information, amino acid conservation, physicochemical variation, residue mobility, and thermodynamic stability) indicates that this missense variant is not expected to disrupt APC protein function with a negative predictive value of 95%. In summary, the available evidence is currently insufficient to determine the role of this variant in disease. Therefore, it has been classified as a Variant of Uncertain Significance.

Ambry Genetics
Classification: Uncertain significance for Hereditary cancer-predisposing syndrome. Last evaluated: 2025-01-14. Review status: criteria provided, single submitter. Criteria: Ambry Variant Classification Scheme 2023. Collection method: clinical testing. Allele origin: germline.
Comment: The p.I858T variant (also known as c.2573T>C), located in coding exon 15 of the APC gene, results from a T to C substitution at nucleotide position 2573. The isoleucine at codon 858 is replaced by threonine, an amino acid with similar properties. This amino acid position is conserved. In addition, in silico predictors for this gene do not accurately predict pathogenicity. Missense alterations in APC are not a common cause of disease (Spier I et al. Genet Med. 2024 Feb;26(2):100992). Based on the available evidence, the clinical significance of this variant remains unclear.

Fulgent Genetics
Classification: Uncertain significance for Colorectal cancer; Hepatocellular carcinoma; Desmoid disease, hereditary; Familial adenomatous polyposis 1; Gastric cancer; Gastric adenocarcinoma and proximal polyposis of the stomach. Last evaluated: 2022-04-12. Review status: criteria provided, single submitter. Criteria: ACMG Guidelines, 2015. Collection method: clinical testing. Allele origin: unknown.

GeneDx
Classification: Uncertain significance. Last evaluated: 2019-12-12. Review status: criteria provided, single submitter. Criteria: GeneDx Variant Classification Process June 2021. Collection method: clinical testing. Allele origin: germline. Affected: yes.
Comment: Not observed in large population cohorts (Lek 2016); In silico analysis, which includes protein predictors and evolutionary conservation, supports that this variant does not alter protein structure/function; Has not been previously published as pathogenic or benign to our knowledge

NM_000038.6(APC):c.2573T>C (p.Ile858Thr)

Gene: APC (APC regulator of Wnt signaling pathway; plus strand). Cytogenetic location: 5q22.2.
Variant type: single nucleotide variant.
Coding change: c.2573T>C on transcript NM_000038.6 (MANE Select); coding-DNA position 2573, T replaced by C.
Protein change: p.Ile858Thr; replaces isoleucine 858 with threonine.
Molecular consequence: missense variant.
Genome position (GRCh38, 1-based): chr5:112,838,167, T>C. VCF-style: chr5-112838167-T-C. GRCh37 (hg19) VCF-style: chr5-112173864-T-C.
Other names: c.2573T>C, p.Ile858Thr (NM_001127510.3, NM_001354895.2); c.2519T>C, p.Ile840Thr (NM_001127511.3); c.2627T>C, p.Ile876Thr (NM_001354896.2); c.2603T>C, p.Ile868Thr (NM_001354897.2); c.2498T>C, p.Ile833Thr (NM_001354898.2); c.2489T>C, p.Ile830Thr (NM_001354899.2); c.2450T>C, p.Ile817Thr (NM_001354900.2); c.2396T>C, p.Ile799Thr (NM_001354901.2); and 5 more; short protein forms I575T, I698T, I732T, I757T, I767T, I799T, I817T, I830T.
Identifiers: ClinVar variation 1321122 (VCV001321122.11), dbSNP rs1765215022, ClinGen allele CA16026970.